The following is an entry in ClinVar:

NM_018105.3(THAP1):c.115_116insGGCCGGGAGCGGTGGCTCACGCCTGTAATCCCAGCACTTTGGGAGGCCGAGGCGGGCGGATCACGAGGTCANNNNNNNNNNAAAAAAAAAAAAAAAAAAAAAAAGAATGGGAGGCAG (p.Ala38_Ala39insGlyProGlyAlaValAlaHisAlaCysAsnProSerThrLeuGlyGlyArgGlyGlyArgIleThrArgSerXaaXaaXaaXaaLysLysLysLysLysLysLysGluTrpGluAla)

Gene: THAP1 (THAP domain containing 1; minus strand). Cytogenetic location: 8p11.21.
Variant type: Insertion.
Coding change: c.115_116insGGCCGGGAGCGGTGGCTCACGCCTGTAATCCCAGCACTTTGGGAGGCCGAGGCGGGCGGATCACGAGGTCANNNNNNNNNNAAAAAAAAAAAAAAAAAAAAAAAGAATGGGAGGCAG on transcript NM_018105.3 (MANE Select); coding-DNA positions 115 to 116, GGCCGGGAGCGGTGGCTCACGCCTGTAATCCCAGCACTTTGGGAGGCCGAGGCGGGCGGATCACGAGGTCANNNNNNNNNNAAAAAAAAAAAAAAAAAAAAAAAGAATGGGAGGCAG inserted.
Protein change: p.Ala38_Ala39insGlyProGlyAlaValAlaHisAlaCysAsnProSerThrLeuGlyGlyArgGlyGlyArgIleThrArgSerXaaXaaXaaXaaLysLysLysLysLysLysLysGluTrpGluAla.
Molecular consequence: inframe insertion. On other transcripts: intron variant (1).
Genome position: GRCh38: chr8:42,839,353-42,839,354. GRCh37 (hg19): chr8:42,694,496-42,694,497.
Other names: c.72-1002_72-1001insAAAGAATGGGAGGCAGGGCCGGGAGCGGTGGCTCACGCCTGTAATCCCAGCACTTTGGGAGGCCGAGGCGGGCGGATCACGAGGTCANNNNNNNNNNAAAAAAAAAAAAAAAAAAAA (NM_199003.2).
Identifiers: ClinVar variation 2113153 (VCV002113153.4), dbSNP rs2487030586.

ClinVar aggregate classification (germline): Pathogenic (1 of 4 stars; one submission).

Conditions:
Torsion dystonia 6 (DYT6). Also called: DYT-THAP1. Identifiers: Orphanet 98806, MedGen C1414216, MONDO:0011264, OMIM 602629.

Submission:

Labcorp Genetics (formerly Invitae), Labcorp
Classification: Pathogenic for Torsion dystonia 6. Last evaluated: 2023-04-06. Review status: criteria provided, single submitter. Criteria: Invitae Variant Classification Sherloc (09022015). Collection method: clinical testing. Allele origin: germline.
Comment: For these reasons, this variant has been classified as Pathogenic. Retrotransposon insertions including LINE1 (L1), Alu, and SVA (SINE-VNTR-Alu) have been reported to be disease-causing through disruption of either a coding region or splice site (PMID: 19763152, 20307669, 22406018) and loss-of-function variants in THAP1 are known to be pathogenic (PMID: 19345147). Algorithms developed to predict the effect of sequence changes on RNA splicing suggest that this variant may disrupt the consensus splice site. This variant has not been reported in the literature in individuals affected with THAP1-related conditions. This variant is not present in population databases (gnomAD no frequency). This sequence change inserts a large fragment of DNA, likely a transposable element, in exon 2 of the THAP1 gene (c.115_116ins?), causing a frameshift at codon 39 (p.Ala39fs). The exact size and sequence of the insertion cannot be determined by the current assay. However, the insertion is expected to result in an absent or disrupted protein product.

Literature cited by the submitters: PubMed 19763152; PubMed 20307669; PubMed 22406018; PubMed 19345147.